The following continues an entry in ClinVar:

NM_007294.4(BRCA1):c.3713C>T (p.Pro1238Leu)

ClinVar aggregate classification (germline): Benign. Benign (1).

Submissions 17 to 24 of 24:

Color Diagnostics, LLC DBA Color Health
Classification: Likely benign for Hereditary cancer-predisposing syndrome. Last evaluated: 2015-04-21. Review status: criteria provided, single submitter. Criteria: ACMG Guidelines, 2015. Collection method: clinical testing. Allele origin: germline. Not counted in ClinVar's aggregate classification.

Ambry Genetics
Classification: Benign for Hereditary cancer-predisposing syndrome. Last evaluated: 2014-11-18. Review status: criteria provided, single submitter. Criteria: Ambry Variant Classification Scheme 2023. Collection method: clinical testing. Allele origin: germline. Not counted in ClinVar's aggregate classification.

Breakthrough Genomics
Classification: Benign. Review status: criteria provided, single submitter. Criteria: ACMG Guidelines, 2015. Collection method: not provided. Allele origin: germline. Inheritance: Autosomal recessive inheritance. Affected: yes. Not counted in ClinVar's aggregate classification.

Counsyl
Classification: Likely benign for Breast-ovarian cancer, familial 1. Last evaluated: 2014-03-06. Review status: no assertion criteria provided. Collection method: literature only. Allele origin: unknown. Inheritance: Autosomal dominant inheritance. Not counted in ClinVar's aggregate classification.

Biesecker Lab/Clinical Genomics Section, National Institutes of Health
Classification: Uncertain significance. Last evaluated: 2012-07-13. Review status: no assertion criteria provided. Collection method: research. Allele origin: germline. Affected: no. Observed: 1 variant allele. Study: ClinSeq. Not counted in ClinVar's aggregate classification.
ClinVar note: Converted during submission from variant of unknown significance to Uncertain significance.

Sharing Clinical Reports Project (SCRP)
Classification: Benign for Breast-ovarian cancer, familial 1. Last evaluated: 2007-10-01. Review status: no assertion criteria provided. Collection method: clinical testing. Allele origin: germline. Not counted in ClinVar's aggregate classification.

Breast Cancer Information Core (BIC) (BRCA1)
Classification: Uncertain significance for Breast-ovarian cancer, familial 1. Last evaluated: 2002-05-29. Review status: no assertion criteria provided. Collection method: clinical testing. Allele origin: germline. Affected: yes. Observed: 42 variant alleles. Not counted in ClinVar's aggregate classification.

Department of Pathology and Laboratory Medicine, Sinai Health System
Classification: Benign for Malignant tumor of breast. Review status: no assertion criteria provided. Collection method: clinical testing. Allele origin: unknown. Affected: yes. Study: The Canadian Open Genetics Repository (COGR). Not counted in ClinVar's aggregate classification.
Comment: The BRCA1 p.Pro1238Leu variant was identified in 3 of 4198 proband chromosomes (frequency: 0.001) from individuals or families with breast and ovarian cancer (Akbari 2011, Johnston 2012, Rummel 2013). The variant was also identified in dbSNP (ID: rs28897688) â€šÃ„ÃºWith Uncertain significance,other alleleâ€šÃ„Ã¹, HGMD, LOVD, the ClinVar database (classified as a benign variant by the Sharing Clinical Reports Project, derived from Myriad reports; classified as likely benign by Invitae and Counsyl), GeneInsight through the Canadian Open Genetics Repository (1X, classified as â€šÃ„Ãºunclassifiedâ€šÃ„Ã¹ by a clinical laboratory), the BIC database (42X with unknown clinical importance), and UMD (3X as a neutral variant). This variant was identified in three HAPMAP populations: HAPMAP-CEU in 1 of 224 chromosomes (frequency: 0.004), HAPMAP-JPT in 1 of 172 chromosomes (frequency: 0.006), and HAPMAP-MEX in 1 of 98 chromosomes (frequency: 0.01). The variant was also identified in two European populations within the Exome Aggregation Consortium Browser, in 13/67692 European non-Finnish alleles (frequency: 0.000192) and 7/6746 Finnish alleles (frequency: 0.001038). The presence of the variant in these populations increases the likelihood that this is a low frequency benign variant in certain populations of origin. The p.Pro1238 residue is not conserved in mammals and the variant amino acid leucine (Leu) is present in cow, increasing the likelihood that the variant does not have clinical importance. In addition, four out of five computational analyses (PolyPhen-2, SIFT, AlignGVGD, BLOSUM, MutationTaster) do not suggest a high likelihood of impact to the protein; however, this information is not predictive enough to rule out pathogenicity. An in silico study using conservation analysis suggests the variant is likely deleterious; however the was identified with a known deleterious mutation (5385insC) in a BRCA1 in the same study, increasing the likelihood the variant may not have clinical significance (Abkevich 2004). In addition, two in silico studies using multifactorial probability-based models found this variant to be neutral (Easton 2007, Lindor 2012). In summary, based on the above information, this variant meets our laboratory's criteria to be classified as benign.

Literature cited by the submitters: PubMed 21990134 (cited by 4 submitters); PubMed 25782689 (cited by Illumina Laboratory Services, Illumina); PubMed 23192404 (cited by 3 submitters); PubMed 15235020 (cited by 3 submitters); PubMed 17924331 (cited by 3 submitters); PubMed 12161607 (cited by Women's Health and Genetics/Laboratory Corporation of America, LabCorp); PubMed 26689913 (cited by Women's Health and Genetics/Laboratory Corporation of America, LabCorp); PubMed 10464609 (cited by Women's Health and Genetics/Laboratory Corporation of America, LabCorp); PubMed 21965345 (cited by Women's Health and Genetics/Laboratory Corporation of America, LabCorp and Counsyl); PubMed 22811390 (cited by Women's Health and Genetics/Laboratory Corporation of America, LabCorp); PubMed 16267036 (cited by Women's Health and Genetics/Laboratory Corporation of America, LabCorp); PubMed 9585608 (cited by Women's Health and Genetics/Laboratory Corporation of America, LabCorp); PubMed 12402332 (cited by Women's Health and Genetics/Laboratory Corporation of America, LabCorp).